The following is an entry in ClinVar:

NM_000188.3(HK1):c.1802C>T (p.Thr601Met)

Gene: HK1 (hexokinase 1; plus strand). Cytogenetic location: 10q22.1.
Variant type: single nucleotide variant.
Coding change: c.1802C>T on transcript NM_000188.3 (MANE Select); coding-DNA position 1802, C replaced by T.
Protein change: p.Thr601Met; replaces threonine 601 with methionine.
Molecular consequence: missense variant.
Genome position (GRCh38, 1-based): chr10:69,384,878, C>T. VCF-style: chr10-69384878-C-T. GRCh37 (hg19) VCF-style: chr10-71144634-C-T.
Other names: c.1814C>T, p.Thr605Met (NM_001322364.2, NM_001358263.1, NM_033497.3 and 1 more transcripts); c.1907C>T, p.Thr636Met (NM_001322365.2); c.1718C>T, p.Thr573Met (NM_001322366.1); c.1706C>T, p.Thr569Met (NM_001322367.1); c.1799C>T, p.Thr600Met (NM_033496.3); c.1766C>T, p.Thr589Met (NM_033500.2); short protein forms T569M, T589M, T573M, T636M, T601M, T605M, T600M.
Identifiers: ClinVar variation 2735406 (VCV002735406.3), dbSNP rs2540432561, ClinGen allele CA376912311.

ClinVar aggregate classification (germline): Uncertain significance (1 of 4 stars; one submission).

Submission:

Labcorp Genetics (formerly Invitae), Labcorp
Classification: Uncertain significance. Last evaluated: 2023-01-06. Review status: criteria provided, single submitter. Criteria: Invitae Variant Classification Sherloc (09022015). Collection method: clinical testing. Allele origin: germline.
Comment: Advanced modeling of protein sequence and biophysical properties (such as structural, functional, and spatial information, amino acid conservation, physicochemical variation, residue mobility, and thermodynamic stability) performed at Invitae indicates that this missense variant is not expected to disrupt HK1 protein function. This variant is also known as c.1799C>T (p.Thr600Met). This missense change has been observed in individual(s) with hexokinase deficiency (PMID: 27282571). This variant is not present in population databases (gnomAD no frequency). This sequence change replaces threonine, which is neutral and polar, with methionine, which is neutral and non-polar, at codon 601 of the HK1 protein (p.Thr601Met). In summary, the available evidence is currently insufficient to determine the role of this variant in disease. Therefore, it has been classified as a Variant of Uncertain Significance.

Literature cited by the submitters: PubMed 27282571.